The following is an entry in ClinVar:

NM_006431.3(CCT2):c.524A>G (p.His175Arg)

Gene: CCT2 (chaperonin containing TCP1 subunit 2; plus strand). Cytogenetic location: 12q15.
Variant type: single nucleotide variant.
Coding change: c.524A>G on transcript NM_006431.3 (MANE Select); coding-DNA position 524, A replaced by G.
Protein change: p.His175Arg; replaces histidine 175 with arginine.
Molecular consequence: missense variant.
Genome position (GRCh38, 1-based): chr12:69,589,562, A>G. VCF-style: chr12-69589562-A-G. GRCh37 (hg19) VCF-style: chr12-69983342-A-G.
Other names: c.383A>G, p.His128Arg (NM_001198842.2); short protein forms H175R, H128R.
Identifiers: ClinVar variation 1922615 (VCV001922615.5), dbSNP rs765054001, ClinGen allele CA6680609.

ClinVar aggregate classification (germline): Uncertain significance (1 of 4 stars; one submission).

Allele frequency attached by ClinVar (database versions not stated): gnomAD exomes 0.00001; ExAC 0.00003.
gnomAD v4.1: 19 of 1,614,120 alleles (0.0012%); highest among the groups gnomAD compares: South Asian, 0.0055%; no homozygotes.

Submission:

Labcorp Genetics (formerly Invitae), Labcorp
Classification: Uncertain significance. Last evaluated: 2022-05-12. Review status: criteria provided, single submitter. Criteria: Invitae Variant Classification Sherloc (09022015). Collection method: clinical testing. Allele origin: germline.
Comment: This sequence change replaces histidine, which is basic and polar, with arginine, which is basic and polar, at codon 175 of the CCT2 protein (p.His175Arg). This variant is present in population databases (rs765054001, gnomAD 0.01%). This variant has not been reported in the literature in individuals affected with CCT2-related conditions. Algorithms developed to predict the effect of missense changes on protein structure and function are either unavailable or do not agree on the potential impact of this missense change (SIFT: "Deleterious"; PolyPhen-2: "Benign"; Align-GVGD: "Class C0"). In summary, the available evidence is currently insufficient to determine the role of this variant in disease. Therefore, it has been classified as a Variant of Uncertain Significance.